The following is an entry in ClinVar:

ClinVar aggregate classification (germline): Conflicting classifications of pathogenicity. Review status: criteria provided, conflicting classifications (1 of 4 stars). 11 submissions from 10 submitters: Uncertain significance (1); Likely benign (6). 4 of the submissions do not count toward it. Last evaluated 2025-03-04.

Conditions:
RET-related disorder. Also called: RET-related disorders; RET-related condition; RET-related disease.
Multiple endocrine neoplasia, type 2 (MEN2). Identifiers: Orphanet 653, MedGen C4048306, MONDO:0019003. Disease mechanism: gain of function.
Hereditary cancer-predisposing syndrome. Also called: Tumor predisposition; Hereditary Cancer Syndrome; Neoplastic Syndromes, Hereditary; Hereditary neoplastic syndrome. Identifiers: Orphanet 140162, MedGen C0027672, MeSH D009386, MONDO:0015356.
Multiple endocrine neoplasia type 2B. Also called: Multiple Endocrine Neoplasia Type 2B (MEN2B); MULTIPLE ENDOCRINE NEOPLASIA, TYPE IIB; MEN IIB; NEUROMATA, MUCOSAL, WITH ENDOCRINE TUMORS; WAGENMANN-FROBOESE SYNDROME; MULTIPLE ENDOCRINE NEOPLASIA, TYPE III. Identifiers: Orphanet 247709, Orphanet 653, MedGen C0025269, MeSH D018814, MONDO:0008082, OMIM 162300.
Multiple endocrine neoplasia type 2A. Also called: Multiple Endocrine Neoplasia Type 2A (MEN2A); MULTIPLE ENDOCRINE NEOPLASIA, TYPE IIA; PTC SYNDROME; SIPPLE SYNDROME; MEN 2A; MEN-2A syndrome. Identifiers: Orphanet 247698, Orphanet 653, MedGen C0025268, MeSH D018813, MONDO:0008234, OMIM 171400.

Allele frequency attached by ClinVar (database versions not stated): TOPMed 0.00009; gnomAD 0.00011; ESP Exome Variant Server 0.00015.
gnomAD v4.1: 147 of 1,597,472 alleles (0.0092%); highest among the groups gnomAD compares: Non-Finnish European, 0.012%; no homozygotes.

Submissions (11):

Center for Genomic Medicine, Rigshospitalet, Copenhagen University Hospital
Classification: Likely benign. Last evaluated: 2025-03-04. Review status: criteria provided, single submitter. Criteria: ACMG Guidelines, 2015. Collection method: clinical testing. Allele origin: germline.

Blueprint Genetics
Classification: Likely benign. Last evaluated: 2024-11-24. Review status: criteria provided, single submitter. Criteria: ACMG Guidelines, 2015. Collection method: clinical testing. Allele origin: germline.

Labcorp Genetics (formerly Invitae), Labcorp
Classification: Likely benign for Multiple endocrine neoplasia, type 2. Last evaluated: 2024-10-15. Review status: criteria provided, single submitter. Criteria: Invitae Variant Classification Sherloc (09022015). Collection method: clinical testing. Allele origin: germline.

ARUP Laboratories, Molecular Genetics and Genomics, ARUP Laboratories
Classification: Likely benign. Last evaluated: 2023-02-22. Review status: criteria provided, single submitter. Criteria: ARUP Molecular Germline Variant Investigation Process 2024. Collection method: clinical testing. Allele origin: germline.

Sema4
Classification: Likely benign for Hereditary cancer-predisposing syndrome. Last evaluated: 2021-10-18. Review status: criteria provided, single submitter. Criteria: Sema4 Curation Guidelines. Collection method: curation. Allele origin: germline.

CeGaT Center for Human Genetics Tuebingen
Classification: Likely benign. Last evaluated: 2021-08-01. Review status: criteria provided, single submitter. Criteria: CeGaT Center For Human Genetics Tuebingen Variant Classification Criteria Version 2. Collection method: clinical testing. Allele origin: germline. Affected: yes. Observed: 2 variant alleles.

Laboratory for Molecular Medicine, Mass General Brigham Personalized Medicine
Classification: Uncertain significance. Last evaluated: 2017-01-25. Review status: criteria provided, single submitter. Criteria: LMM Criteria. Collection method: clinical testing. Allele origin: germline.
Comment: Variant identified in a genome or exome case(s) and assessed due to predicted null impact of the variant or pathogenic assertions in the literature or databases. Disclaimer: This variant has not undergone full assessment. The following are preliminary notes: This in an intronic variant at +35. It is classified in ClinVar as Likely benign by Invitae. It has a MaxMAF in ExAC of 0.05% (2 Finnish alleles and 14 non-Finnish European alleles).

PreventionGenetics, part of Exact Sciences
Classification: Likely benign for RET-related condition. Last evaluated: 2022-02-02. Review status: no assertion criteria provided. Collection method: clinical testing. Allele origin: germline. Not counted in ClinVar's aggregate classification.
Comment: This variant is classified as likely benign based on ACMG/AMP sequence variant interpretation guidelines (Richards et al. 2015 PMID: 25741868, with internal and published modifications).

Counsyl
Classification: Likely benign for Multiple endocrine neoplasia type 2B. Last evaluated: 2016-09-27. Review status: no assertion criteria provided. Collection method: clinical testing. Allele origin: unknown. Not counted in ClinVar's aggregate classification.

Counsyl
Classification: Likely benign for Multiple endocrine neoplasia type 2A. Last evaluated: 2016-09-27. Review status: no assertion criteria provided. Collection method: clinical testing. Allele origin: unknown. Not counted in ClinVar's aggregate classification.

Department of Pathology and Laboratory Medicine, Sinai Health System
Classification: Likely pathogenic for multiple endocrine neoplasia type 2A. Review status: flagged submission. Criteria: ACMG Guidelines, 2015. Collection method: clinical testing. Allele origin: germline. Not counted in ClinVar's aggregate classification.
ClinVar note: Reason: Outlier claim with insufficient supporting evidence

Literature cited by the submitters: PubMed 22395866 (cited by Counsyl).

NM_020975.6(RET):c.1522+35C>T

Gene: RET (ret proto-oncogene; plus strand). Cytogenetic location: 10q11.21.
Variant type: single nucleotide variant.
Coding change: c.1522+35C>T on transcript NM_020975.6 (MANE Select); 35 bases into the intron after coding-DNA position 1522, C replaced by T.
Molecular consequence: intron variant.
Genome position (GRCh38, 1-based): chr10:43,111,500, C>T. VCF-style: chr10-43111500-C-T. GRCh37 (hg19) VCF-style: chr10-43606948-C-T.
Other names: c.1522+35C>T (NM_020630.7, NM_001406743.1, NM_001406744.1 and 4 more transcripts); c.1126+35C>T (NM_001406772.1, NM_001406769.1); c.1084+35C>T (NM_001406773.1, NM_001406771.1); c.626-599C>T (NM_001406782.1, NM_001406780.1, NM_001406779.1 and 3 more transcripts); c.1393+35C>T (NM_001406764.1, NM_001406762.1, NM_001406761.1 and 1 more transcripts); c.997+35C>T (NM_001406774.1); c.497-599C>T (NM_001406786.1, NM_001406783.1); c.1234+35C>T (NM_001406770.1, NM_001406766.1, NM_001406767.1); and 5 more.
Identifiers: ClinVar variation 241337 (VCV000241337.65), dbSNP rs377130948, ClinGen allele CA034104.